The following is an entry in ClinVar:

NM_007315.4(STAT1):c.825G>A (p.Gln275=)

Gene: STAT1 (signal transducer and activator of transcription 1; minus strand). Cytogenetic location: 2q32.2.
Variant type: single nucleotide variant.
Coding change: c.825G>A on transcript NM_007315.4 (MANE Select); coding-DNA position 825, G replaced by A.
Protein change: p.Gln275=; no amino-acid change (glutamine 275 retained).
Molecular consequence: synonymous variant. On other transcripts: intron variant (1).
Genome position (GRCh38, 1-based): chr2:190,995,180, C>T on the plus strand (G>A on the coding strand, the complement: STAT1 is on the minus strand). VCF-style: chr2-190995180-C-T. GRCh37 (hg19) VCF-style: chr2-191859906-C-T.
Other names: p.Gln275=; c.825G>A, p.Gln275= (NM_001384880.1, NM_001384882.1, NM_001384886.1 and 4 more transcripts); c.831G>A, p.Gln277= (NM_001384881.1, NM_001384884.1); c.726G>A, p.Gln242= (NM_001384883.1); c.735G>A, p.Gln245= (NM_001384890.1); c.861G>A, p.Gln287= (NM_001384891.1); c.785+2676G>A (NM_001384885.1).
Identifiers: ClinVar variation 541829 (VCV000541829.19), dbSNP rs61756197, ClinGen allele CA2030132.

ClinVar aggregate classification (germline): Benign/Likely benign. Review status: criteria provided, multiple submitters, no conflicts (2 of 4 stars). 5 submissions from 5 submitters: Benign (1); Likely benign (3). 1 of the submissions does not count toward it. Last evaluated 2026-01-15.

Conditions:
STAT1-related disorder. Also called: STAT1-related condition.
Immunodeficiency 31B. Also called: IMMUNODEFICIENCY 31B, MYCOBACTERIAL AND VIRAL INFECTIONS, AUTOSOMAL RECESSIVE; STAT1 DEFICIENCY, AUTOSOMAL RECESSIVE. Identifiers: Orphanet 391311, MedGen C3151088, MONDO:0013427, OMIM 613796.
Autoimmune enteropathy and endocrinopathy - susceptibility to chronic infections syndrome. Also called: Immunodeficiency 31C; Immunodeficiency 31C, autosomal dominant. Identifiers: Orphanet 391487, MedGen C3279990, MONDO:0013599, OMIM 614162.
Mendelian susceptibility to mycobacterial diseases due to partial STAT1 deficiency. Also called: IMMUNODEFICIENCY 31A, MYCOBACTERIOSIS, AUTOSOMAL DOMINANT; STAT1 DEFICIENCY, AUTOSOMAL DOMINANT; Immunodeficiency 31a. Identifiers: Orphanet 319595, MedGen C4013950, MONDO:0013956, OMIM 614892.

Allele frequency attached by ClinVar (database versions not stated): ESP Exome Variant Server 0.00015; gnomAD 0.00023 and 0.00025; ExAC 0.00025; TOPMed 0.00025; gnomAD exomes 0.00027 and 0.00037.
gnomAD v4.1: 578 of 1,613,776 alleles (0.036%); highest among the groups gnomAD compares: Non-Finnish European, 0.043%; no homozygotes.

Submissions (5):

Labcorp Genetics (formerly Invitae), Labcorp
Classification: Likely benign for Mendelian susceptibility to mycobacterial diseases due to partial STAT1 deficiency; Immunodeficiency 31B; Autoimmune enteropathy and endocrinopathy - susceptibility to chronic infections syndrome. Last evaluated: 2026-01-15. Review status: criteria provided, single submitter. Criteria: Invitae Variant Classification Sherloc (09022015). Collection method: clinical testing. Allele origin: germline.

Mayo Clinic Laboratories, Mayo Clinic
Classification: Likely benign. Last evaluated: 2025-07-10. Review status: criteria provided, single submitter. Criteria: ACMG Guidelines, 2015. Collection method: clinical testing. Allele origin: germline. Observed: 2 variant alleles.
Comment: BP4, BP7

Blueprint Genetics
Classification: Likely benign. Last evaluated: 2024-10-31. Review status: criteria provided, single submitter. Criteria: ACMG Guidelines, 2015. Collection method: clinical testing. Allele origin: germline.

Illumina Laboratory Services, Illumina
Classification: Benign for Mendelian susceptibility to mycobacterial diseases due to partial STAT1 deficiency. Last evaluated: 2018-01-12. Review status: criteria provided, single submitter. Criteria: ICSL Variant Classification Criteria 13 December 2019. Collection method: clinical testing. Allele origin: germline.
Comment: This variant was observed in the ICSL laboratory as part of a predisposition screen in an ostensibly healthy population. It had not been previously curated by ICSL or reported in the Human Gene Mutation Database (HGMD: prior to June 1st, 2018), and was therefore a candidate for classification through an automated scoring system. Utilizing variant allele frequency, disease prevalence and penetrance estimates, and inheritance mode, an automated score was calculated to assess if this variant is too frequent to cause the disease. Based on the score and internal cut-off values, a variant classified as benign is not then subjected to further curation. The score for this variant resulted in a classification of benign for this disease.

PreventionGenetics, part of Exact Sciences
Classification: Likely benign for STAT1-related condition. Last evaluated: 2019-07-26. Review status: no assertion criteria provided. Collection method: clinical testing. Allele origin: germline. Not counted in ClinVar's aggregate classification.
Comment: This variant is classified as likely benign based on ACMG/AMP sequence variant interpretation guidelines (Richards et al. 2015 PMID: 25741868, with internal and published modifications).